The following is an entry in ClinVar:

ClinVar aggregate classification (germline): Uncertain significance (1 of 4 stars; one submission).

Conditions:
Severe combined immunodeficiency, autosomal recessive, T cell-negative, B cell-negative, NK cell-positive. Also called: SCID, T CELL-NEGATIVE, B CELL-NEGATIVE, NK CELL-POSITIVE; Severe combined immunodeficiency due to complete RAG1/2 deficiency; SCID, AR, T-cell negative, B-cell negative, NK cell-positive. Identifiers: Orphanet 331206, MedGen C1832322, MONDO:0011086, OMIM 601457.
Combined immunodeficiency with skin granulomas. Identifiers: Orphanet 157949, MedGen C2673536, MONDO:0009306, OMIM 233650.

Submission:

Labcorp Genetics (formerly Invitae), Labcorp
Classification: Uncertain significance for Combined immunodeficiency with skin granulomas; Severe combined immunodeficiency, autosomal recessive, T cell-negative, B cell-negative, NK cell-positive. Last evaluated: 2022-06-14. Review status: criteria provided, single submitter. Criteria: Invitae Variant Classification Sherloc (09022015). Collection method: clinical testing. Allele origin: germline.
Comment: In summary, the available evidence is currently insufficient to determine the role of this variant in disease. Therefore, it has been classified as a Variant of Uncertain Significance. Advanced modeling of protein sequence and biophysical properties (such as structural, functional, and spatial information, amino acid conservation, physicochemical variation, residue mobility, and thermodynamic stability) performed at Invitae indicates that this missense variant is expected to disrupt RAG1 protein function. This variant has not been reported in the literature in individuals affected with RAG1-related conditions. This variant is not present in population databases (gnomAD no frequency). This sequence change replaces phenylalanine, which is neutral and non-polar, with isoleucine, which is neutral and non-polar, at codon 347 of the RAG1 protein (p.Phe347Ile).

NM_000448.3(RAG1):c.1039T>A (p.Phe347Ile)

Gene: RAG1 (recombination activating 1; plus strand). Cytogenetic location: 11p12.
Variant type: single nucleotide variant.
Coding change: c.1039T>A on transcript NM_000448.3 (MANE Select); coding-DNA position 1039, T replaced by A.
Protein change: p.Phe347Ile; replaces phenylalanine 347 with isoleucine.
Molecular consequence: missense variant.
Genome position (GRCh38, 1-based): chr11:36,574,343, T>A. VCF-style: chr11-36574343-T-A. GRCh37 (hg19) VCF-style: chr11-36595893-T-A.
Other names: c.1039T>A, p.Phe347Ile (NM_001377277.1, NM_001377278.1, NM_001377279.1 and 1 more transcripts); short protein forms F347I.
Identifiers: ClinVar variation 2006629 (VCV002006629.2), dbSNP rs1221375169, ClinGen allele CA380151063.